The following is an entry in ClinVar:

ClinVar aggregate classification (germline): Likely benign. Review status: criteria provided, multiple submitters, no conflicts (2 of 4 stars). 2 submissions from 2 submitters: Likely benign (2). Last evaluated 2025-03-30.

Conditions:
Arrhythmogenic right ventricular dysplasia 5. Also called: ARRHYTHMOGENIC RIGHT VENTRICULAR DYSPLASIA, FAMILIAL, 5; Arrhythmogenic Right Ventricular Dysplasia/Cardiomyopathy 5. Identifiers: MedGen C1858379, MONDO:0011459, OMIM 604400.

Allele frequency attached by ClinVar (database versions not stated): gnomAD exomes below 0.00001.
gnomAD v4.1: 1 of 1,614,134 alleles (0.000062%); highest among the groups gnomAD compares: Non-Finnish European, 0.000085%; no homozygotes.

Submissions (2):

Labcorp Genetics (formerly Invitae), Labcorp
Classification: Likely benign for Arrhythmogenic right ventricular dysplasia 5. Last evaluated: 2025-03-30. Review status: criteria provided, single submitter. Criteria: Invitae Variant Classification Sherloc (09022015). Collection method: clinical testing. Allele origin: germline.

All of Us Research Program, National Institutes of Health
Classification: Likely benign for Arrhythmogenic right ventricular dysplasia 5. Last evaluated: 2023-09-17. Review status: criteria provided, single submitter. Criteria: ACMG Guidelines, 2015. Collection method: clinical testing. Allele origin: germline. Inheritance: Autosomal dominant inheritance. Observed: 1 variant allele, 1 heterozygote.
Comment: This study involves interpretation of variants in research participants for the purpose of population health screening. Participant phenotype was not available at the time of variant classification. Additional details can be found in publication PMID: 35346344, PMCID: PMC8962531

NM_024334.3(TMEM43):c.915C>A (p.Ser305=)

Gene: TMEM43 (transmembrane protein 43; plus strand). Cytogenetic location: 3p25.1.
Variant type: single nucleotide variant.
Coding change: c.915C>A on transcript NM_024334.3 (MANE Select); coding-DNA position 915, C replaced by A.
Protein change: p.Ser305=; no amino-acid change (serine 305 retained).
Molecular consequence: synonymous variant.
Genome position (GRCh38, 1-based): chr3:14,139,212, C>A. VCF-style: chr3-14139212-C-A. GRCh37 (hg19) VCF-style: chr3-14180712-C-A.
Other names: c.918C>A, p.Ser306= (NM_001407274.1); c.912C>A, p.Ser304= (NM_001407275.1, NM_001407276.1); c.909C>A, p.Ser303= (NM_001407277.1); c.900C>A, p.Ser300= (NM_001407278.1); c.840C>A, p.Ser280= (NM_001407279.1); c.765C>A, p.Ser255= (NM_001407280.1).
Identifiers: ClinVar variation 3073485 (VCV003073485.2), dbSNP rs2470196684, ClinGen allele CA432552540.